The following is an entry in ClinVar:

NM_001033057.2(MAGI1):c.763T>A (p.Ser255Thr)

Gene: MAGI1 (membrane associated guanylate kinase, WW and PDZ domain containing 1; minus strand). Cytogenetic location: 3p14.1.
Variant type: single nucleotide variant.
Coding change: c.763T>A on transcript NM_001033057.2 (MANE Select); coding-DNA position 763, T replaced by A.
Protein change: p.Ser255Thr; replaces serine 255 with threonine.
Molecular consequence: missense variant.
Genome position (GRCh38, 1-based): chr3:65,470,479, A>T on the plus strand (T>A on the coding strand, the complement: MAGI1 is on the minus strand). VCF-style: chr3-65470479-A-T. GRCh37 (hg19) VCF-style: chr3-65456154-A-T.
Other names: c.766T>A, p.Ser256Thr (NM_001365903.2, NM_001365904.2, NM_001365905.1); c.763T>A, p.Ser255Thr (NM_004742.3, NM_015520.2); short protein forms S255T, S256T.
Identifiers: ClinVar variation 2653953 (VCV002653953.24), dbSNP rs62255274, ClinGen allele CA2483218.
Genomic context (GRCh38, chr3:65,470,479, plus strand): 5'-TGCTACTATTCACAGGTGGTAATGCTGTTTCTTGGAGAGTGTGCTCCTCTTGTTCACCAG[A>T]ATCGGCTGCTTAATCATGTGAAGAGGTGAGAGAGAGAGAGAGAGAAAAAAAAAAAATGGT-3'
Protein context (NP_001028229.1, residues 245-265): PEMNSSFTAD[Ser255Thr]GEQEEHTLQE

ClinVar aggregate classification (germline): Likely benign (1 of 4 stars; one submission).

Allele frequency attached by ClinVar (database versions not stated): 1000 Genomes Project 0.00120; 1000 Genomes Project 30x 0.00125; TOPMed 0.00406; gnomAD 0.00410; ExAC 0.00560.
gnomAD v4.1: 10,281 of 1,611,850 alleles (0.64%); highest among the groups gnomAD compares: Non-Finnish European, 0.79%; 62 homozygotes.

Submission:

CeGaT Center for Human Genetics Tuebingen
Classification: Likely benign. Last evaluated: 2023-03-01. Review status: criteria provided, single submitter. Criteria: CeGaT Center For Human Genetics Tuebingen Variant Classification Criteria Version 2. Collection method: clinical testing. Allele origin: germline. Affected: yes. Observed: 1 variant allele.
Comment: MAGI1: BP4, BS2